The following is an entry in ClinVar:

ClinVar aggregate classification (germline): Uncertain significance (0 of 4 stars; one submission).

Conditions:
MKKS-related disorder. Also called: MKKS-related condition; MKKS-related disorders.

Submission:

PreventionGenetics, part of Exact Sciences
Classification: Uncertain significance for MKKS-related condition. Last evaluated: 2024-05-22. Review status: no assertion criteria provided. Collection method: clinical testing. Allele origin: germline.
Comment: The MKKS c.-5G>C variant is located in the 5' untranslated region. To our knowledge, this variant has not been reported in the literature or in a large population database, indicating this variant is rare. At this time, the clinical significance of this variant is uncertain due to the absence of conclusive functional and genetic evidence.

NM_170784.3(MKKS):c.-5G>C

Gene: MKKS (MKKS centrosomal shuttling protein; minus strand). Cytogenetic location: 20p12.2.
Variant type: single nucleotide variant.
Coding change: c.-5G>C on transcript NM_170784.3 (MANE Select); 5 bases upstream of the start codon, G replaced by C.
Molecular consequence: 5 prime UTR variant.
Genome position (GRCh38, 1-based): chr20:10,413,519, C>G on the plus strand (G>C on the coding strand, the complement: MKKS is on the minus strand). VCF-style: chr20-10413519-C-G. GRCh37 (hg19) VCF-style: chr20-10394167-C-G.
Other names: c.-5G>C (NM_018848.3).
Identifiers: ClinVar variation 3344167 (VCV003344167.1).